The following is an entry in ClinVar:

ClinVar aggregate classification (germline): Likely benign. Review status: criteria provided, multiple submitters, no conflicts (2 of 4 stars). 3 submissions from 3 submitters: Likely benign (3). Last evaluated 2025-09-11.

Conditions:
Hereditary spastic paraplegia 48. Also called: Spastic paraplegia 48; SPASTIC PARAPLEGIA 48, AUTOSOMAL RECESSIVE. Identifiers: Orphanet 306511, MedGen C3150901, MONDO:0013342, OMIM 613647.
AP5Z1-related disorder. Also called: AP5Z1-related condition.

Allele frequency attached by ClinVar (database versions not stated): gnomAD exomes 0.00005; ESP Exome Variant Server 0.00008; ExAC 0.00012; TOPMed 0.00014; gnomAD 0.00015; 1000 Genomes Project 30x 0.00031; 1000 Genomes Project 0.00060.
gnomAD v4.1: 108 of 1,609,940 alleles (0.0067%); highest among the groups gnomAD compares: African/African-American, 0.049%; no homozygotes.

Submissions (3):

PreventionGenetics, part of Exact Sciences
Classification: Likely benign for AP5Z1-related condition. Last evaluated: 2025-09-11. Review status: criteria provided, single submitter. Criteria: ACMG Guidelines, 2015. Collection method: clinical testing. Allele origin: germline.
Comment: This variant is classified as likely benign based on ACMG/AMP sequence variant interpretation guidelines (Richards et al. 2015 PMID: 25741868, with internal and published modifications).

Labcorp Genetics (formerly Invitae), Labcorp
Classification: Likely benign for Hereditary spastic paraplegia 48. Last evaluated: 2025-01-06. Review status: criteria provided, single submitter. Criteria: Invitae Variant Classification Sherloc (09022015). Collection method: clinical testing. Allele origin: germline.

CeGaT Center for Human Genetics Tuebingen
Classification: Likely benign. Last evaluated: 2024-06-01. Review status: criteria provided, single submitter. Criteria: CeGaT Center For Human Genetics Tuebingen Variant Classification Criteria Version 2. Collection method: clinical testing. Allele origin: germline. Affected: yes. Observed: 1 variant allele.
Comment: AP5Z1: BP4, BP7

NM_014855.3(AP5Z1):c.1632C>T (p.Ala544=)

Gene: AP5Z1 (adaptor related protein complex 5 subunit zeta 1; plus strand). Cytogenetic location: 7p22.1.
Variant type: single nucleotide variant.
Coding change: c.1632C>T on transcript NM_014855.3 (MANE Select); coding-DNA position 1632, C replaced by T.
Protein change: p.Ala544=; no amino-acid change (alanine 544 retained).
Molecular consequence: synonymous variant. On other transcripts: non-coding transcript variant (1).
Genome position (GRCh38, 1-based): chr7:4,788,876, C>T. VCF-style: chr7-4788876-C-T. GRCh37 (hg19) VCF-style: chr7-4828507-C-T.
Other names: c.1164C>T, p.Ala388= (NM_001364858.1); c.1632C>T (NM_014855.2).
Identifiers: ClinVar variation 2097856 (VCV002097856.23), dbSNP rs373183061, ClinGen allele CA4137946.
Genomic context (GRCh38, chr7:4,788,876, plus strand): 5'-CTCACGGCCACACTGTGTCCTCAGGTTGGCGCCACTCCACCAGCTGCTGCAGCCCATGGC[C>T]GGCTGTGCCCGCGTGGCCCAGTGTGCCCAGGCCGTGCCCACGCTGCTGCAGGCATTCTTC-3'
Protein context (NP_055670.1, residues 534-554): APLHQLLQPM[Ala544=]GCARVAQCAQ